The following is an entry in ClinVar:

ClinVar aggregate classification (germline): Pathogenic. Review status: reviewed by expert panel (3 of 4 stars). 5 submissions from 5 submitters: Pathogenic (1). 4 of the submissions do not count toward it. Last evaluated 2023-10-13.

Conditions:
Phenylketonuria (PKU). Also called: OLIGOPHRENIA PHENYLPYRUVICA; Phenylketonurias; FOLLING DISEASE; Phenylketonuria (PKU). Identifiers: Orphanet 716, MedGen C0031485, MONDO:0009861, OMIM 261600. Disease mechanism: loss of function.

Allele frequency attached by ClinVar (database versions not stated): gnomAD exomes below 0.00001; TOPMed below 0.00001; ExAC 0.00001.

Submissions (5):

ClinGen PAH Variant Curation Expert Panel
Classification: Pathogenic for Phenylketonuria. Last evaluated: 2023-10-13. Review status: reviewed by expert panel. Criteria: ClinGen PAH ACMG Specifications v1. Collection method: curation. Allele origin: germline. Inheritance: Autosomal recessive inheritance.
Comment: The c.618C>A (p.Tyr206Ter) is a nonsense variant predicted to cause a premature stop codon in biologically relevant exon 6/13 leading to nonsense mediated decay in a gene in which loss-of-function is an established disease mechanism. It has been detected in 4 patients with classic PKU with known pathogenic variants: c.611A>G (PMID: 16256386); p.Arg241Cys (PMID:25456745); and c.1197A>T p.Val399Val (PMID: 30050108). This variant has extremely low frequency in gnomAD (MAF=0.00005). In summary, this variant meets criteria to be classified as Pathogenic for PAH deficiency based on the ACMG/AMP criteria applied, as specified by the ClinGen PAH VCEP: PM2_supporting, PM3_strong, PP4, PVS1.

Labcorp Genetics (formerly Invitae), Labcorp
Classification: Pathogenic for Phenylketonuria. Last evaluated: 2025-12-21. Review status: criteria provided, single submitter. Criteria: Invitae Variant Classification Sherloc (09022015). Collection method: clinical testing. Allele origin: germline. Not counted in ClinVar's aggregate classification.
Comment: This sequence change creates a premature translational stop signal (p.Tyr206*) in the PAH gene. It is expected to result in an absent or disrupted protein product. Loss-of-function variants in PAH are known to be pathogenic (PMID: 1301187, 9634518). This variant is present in population databases (rs62517201, gnomAD 0.006%). This premature translational stop signal has been observed in individual(s) with phenylketonuria (PMID: 16256386, 24130151, 27121329). ClinVar contains an entry for this variant (Variation ID: 556660). For these reasons, this variant has been classified as Pathogenic.

Women's Health and Genetics/Laboratory Corporation of America, LabCorp
Classification: Pathogenic for Phenylketonuria. Last evaluated: 2017-09-08. Review status: criteria provided, single submitter. Criteria: LabCorp Variant Classification Summary - May 2015. Collection method: clinical testing. Allele origin: germline. Not counted in ClinVar's aggregate classification.
Comment: Variant summary: The PAH c.618C>A (p.Tyr206X) variant results in a premature termination codon, predicted to cause a truncated or absent PAH protein due to nonsense mediated decay, which are commonly known mechanisms for disease. Truncations downstream of this position have been classified as pathogenic by our laboratory (e.g. c.727C>T, p.Arg243X; c.1055delG, p.Gly352fsX48; c.1089delG, p.Lys363fsX37). One in silico tool predicts a damaging outcome for this variant. One functional study confirmed that the variant leads to a nonsense mutation that caused significant reduction in mutant transcript levels possibly through activation of nonsense mediated decay (Bashyam 2014). This variant was found in 1/121330 control chromosomes at a frequency of 0.00082%, which does not exceed the estimated maximal expected allele frequency of a pathogenic PAH variant (0.79057%). The variant was reported in the literature in multiple patients with PKU (Song 2006, Bashyam 2014, Li 2015, Acosta 2001). Taken together, this variant is classified as pathogenic.

Natera, Inc.
Classification: Pathogenic for Phenylketonuria. Last evaluated: 2020-09-16. Review status: no assertion criteria provided. Collection method: clinical testing. Allele origin: germline. Not counted in ClinVar's aggregate classification.

Counsyl
Classification: Pathogenic for Phenylketonuria. Last evaluated: 2018-02-13. Review status: no assertion criteria provided. Collection method: clinical testing. Allele origin: unknown. Not counted in ClinVar's aggregate classification.

Literature cited by the submitters: PubMed 1301187 (cited by Labcorp Genetics (formerly Invitae), Labcorp); PubMed 9634518 (cited by Labcorp Genetics (formerly Invitae), Labcorp); PubMed 16256386 (cited by Labcorp Genetics (formerly Invitae), Labcorp and Women's Health and Genetics/Laboratory Corporation of America, LabCorp); PubMed 24130151 (cited by 3 submitters); PubMed 27121329 (cited by Labcorp Genetics (formerly Invitae), Labcorp); PubMed 10527663 (cited by Women's Health and Genetics/Laboratory Corporation of America, LabCorp); PubMed 11139255 (cited by Women's Health and Genetics/Laboratory Corporation of America, LabCorp); PubMed 26503515 (cited by Women's Health and Genetics/Laboratory Corporation of America, LabCorp); PubMed 25456745 (cited by Counsyl).

NM_000277.3(PAH):c.618C>A (p.Tyr206Ter)

Gene: PAH (phenylalanine hydroxylase; minus strand). Cytogenetic location: 12q23.2.
Variant type: single nucleotide variant.
Coding change: c.618C>A on transcript NM_000277.3 (MANE Select); coding-DNA position 618, C replaced by A.
Protein change: p.Tyr206Ter; replaces tyrosine 206 with a stop codon.
Molecular consequence: nonsense.
Genome position (GRCh38, 1-based): chr12:102,855,224, G>T on the plus strand (C>A on the coding strand, the complement: PAH is on the minus strand). VCF-style: chr12-102855224-G-T. GRCh37 (hg19) VCF-style: chr12-103249002-G-T.
Other names: NM_000277.3(PAH):c.618C>A; p.Tyr206Ter; c.618C>A, p.Tyr206Ter (NM_001354304.2); short protein forms Y206*.
Identifiers: ClinVar variation 556660 (VCV000556660.15), dbSNP rs62517201, ClinGen allele CA6748887.